The following is an entry in ClinVar:

ClinVar aggregate classification (germline): Uncertain significance. Review status: criteria provided, multiple submitters, no conflicts (2 of 4 stars). 2 submissions from 2 submitters: Uncertain significance (2). Last evaluated 2024-05-18.

Conditions:
Familial cancer of breast. Also called: hereditary breast carcinoma; Hereditary breast cancer; BREAST CANCER, FAMILIAL. Identifiers: Orphanet 227535, MedGen C0346153, MONDO:0016419, OMIM 114480. Disease mechanism: loss of function.
Hereditary cancer-predisposing syndrome. Also called: Tumor predisposition; Hereditary neoplastic syndrome; Neoplastic Syndromes, Hereditary; Hereditary Cancer Syndrome. Identifiers: Orphanet 140162, MedGen C0027672, MeSH D009386, MONDO:0015356.

Submissions (2):

Ambry Genetics
Classification: Uncertain significance for Hereditary cancer-predisposing syndrome. Last evaluated: 2024-05-18. Review status: criteria provided, single submitter. Criteria: Ambry Variant Classification Scheme 2023. Collection method: clinical testing. Allele origin: germline.
Comment: The p.W91R variant (also known as c.271T>C), located in coding exon 3 of the BARD1 gene, results from a T to C substitution at nucleotide position 271. The tryptophan at codon 91 is replaced by arginine, an amino acid with dissimilar properties. This amino acid position is conserved. In addition, this alteration is predicted to be deleterious by in silico analysis. Based on the available evidence, the clinical significance of this variant remains unclear.

Labcorp Genetics (formerly Invitae), Labcorp
Classification: Uncertain significance for Familial cancer of breast. Last evaluated: 2023-03-13. Review status: criteria provided, single submitter. Criteria: Invitae Variant Classification Sherloc (09022015). Collection method: clinical testing. Allele origin: germline.
Comment: An algorithm developed to predict the effect of missense changes on protein structure and function (PolyPhen-2) suggests that this variant is likely to be disruptive. ClinVar contains an entry for this variant (Variation ID: 859193). This variant has not been reported in the literature in individuals affected with BARD1-related conditions. This variant is not present in population databases (gnomAD no frequency). This sequence change replaces tryptophan, which is neutral and slightly polar, with arginine, which is basic and polar, at codon 91 of the BARD1 protein (p.Trp91Arg). In summary, the available evidence is currently insufficient to determine the role of this variant in disease. Therefore, it has been classified as a Variant of Uncertain Significance.

NM_000465.4(BARD1):c.271T>C (p.Trp91Arg)

Gene: BARD1 (BRCA1 associated RING domain 1; minus strand). Cytogenetic location: 2q35.
Variant type: single nucleotide variant.
Coding change: c.271T>C on transcript NM_000465.4 (MANE Select); coding-DNA position 271, T replaced by C.
Protein change: p.Trp91Arg; replaces tryptophan 91 with arginine.
Molecular consequence: missense variant. On other transcripts: non-coding transcript variant (1), intron variant (2).
Genome position (GRCh38, 1-based): chr2:214,792,390, A>G on the plus strand (T>C on the coding strand, the complement: BARD1 is on the minus strand). VCF-style: chr2-214792390-A-G. GRCh37 (hg19) VCF-style: chr2-215657114-A-G.
Other names: c.214T>C, p.Trp72Arg (NM_001282543.2); c.271T>C, p.Trp91Arg (NM_001282549.2); c.158+17022T>C (NM_001282548.2); c.215+4671T>C (NM_001282545.2); c.271T>C (NM_000465.2); short protein forms W72R, W91R.
Identifiers: ClinVar variation 859193 (VCV000859193.11), dbSNP rs1695563086, ClinGen allele CA350461130.
Genomic context (GRCh38, chr2:214,792,390, plus strand): 5'-GCTTACTACAAAGTTGAATCATGCTGTCCAGTTGTCTATTTATCTTCAAGTCTTGTATCC[A>G]GGCCGGGGTGTAACACACTGGACATCCAGTTCCAATGCAGTCACTTACACAATTACTTTA-3'
Protein context (NP_000456.2, residues 81-101): TGCPVCYTPA[Trp91Arg]IQDLKINRQL